The following is an entry in ClinVar:

ClinVar aggregate classification (germline): Uncertain significance (1 of 4 stars; one submission).

gnomAD v4.1: 7 of 1,614,160 alleles (0.00043%); highest among the groups gnomAD compares: African/African-American, 0.0013%; no homozygotes.

Submission:

Labcorp Genetics (formerly Invitae), Labcorp
Classification: Uncertain significance. Last evaluated: 2024-03-07. Review status: criteria provided, single submitter. Criteria: Invitae Variant Classification Sherloc (09022015). Collection method: clinical testing. Allele origin: germline.
Comment: This sequence change replaces proline, which is neutral and non-polar, with glutamine, which is neutral and polar, at codon 1029 of the TOPORS protein (p.Pro1029Gln). This variant is not present in population databases (gnomAD no frequency). This variant has not been reported in the literature in individuals affected with TOPORS-related conditions. Experimental studies and prediction algorithms are not available or were not evaluated, and the functional significance of this variant is currently unknown. In summary, the available evidence is currently insufficient to determine the role of this variant in disease. Therefore, it has been classified as a Variant of Uncertain Significance.

NM_005802.5(TOPORS):c.3086C>A (p.Pro1029Gln)

Gene: TOPORS (TOP1 binding arginine/serine rich protein, E3 ubiquitin ligase; minus strand). Cytogenetic location: 9p21.1.
Variant type: single nucleotide variant.
Coding change: c.3086C>A on transcript NM_005802.5 (MANE Select); coding-DNA position 3086, C replaced by A.
Protein change: p.Pro1029Gln; replaces proline 1029 with glutamine.
Molecular consequence: missense variant.
Genome position (GRCh38, 1-based): chr9:32,541,439, G>T on the plus strand (C>A on the coding strand, the complement: TOPORS is on the minus strand). VCF-style: chr9-32541439-G-T. GRCh37 (hg19) VCF-style: chr9-32541437-G-T.
Other names: c.2891C>A, p.Pro964Gln (NM_001195622.2); short protein forms P1029Q, P964Q.
Identifiers: ClinVar variation 3622356 (VCV003622356.2).